The following is an entry in ClinVar:

ClinVar aggregate classification (germline): Uncertain significance (1 of 4 stars; one submission).

Allele frequency attached by ClinVar (database versions not stated): gnomAD exomes below 0.00001; ExAC 0.00001.
gnomAD v4.1: 2 of 1,613,944 alleles (0.00012%); highest among the groups gnomAD compares: Middle Eastern, 0.017%; no homozygotes.

Submission:

Labcorp Genetics (formerly Invitae), Labcorp
Classification: Uncertain significance. Last evaluated: 2023-05-13. Review status: criteria provided, single submitter. Criteria: Invitae Variant Classification Sherloc (09022015). Collection method: clinical testing. Allele origin: germline.
Comment: This sequence change replaces alanine, which is neutral and non-polar, with serine, which is neutral and polar, at codon 568 of the ANKZF1 protein (p.Ala568Ser). This variant is present in population databases (rs778212147, gnomAD 0.0009%). In summary, the available evidence is currently insufficient to determine the role of this variant in disease. Therefore, it has been classified as a Variant of Uncertain Significance. An algorithm developed to predict the effect of missense changes on protein structure and function (PolyPhen-2) suggests that this variant is likely to be tolerated. This variant has not been reported in the literature in individuals affected with ANKZF1-related conditions.

NM_018089.3(ANKZF1):c.1702G>T (p.Ala568Ser)

Gene: ANKZF1 (ankyrin repeat and zinc finger peptidyl tRNA hydrolase 1; plus strand). Cytogenetic location: 2q35.
Variant type: single nucleotide variant.
Coding change: c.1702G>T on transcript NM_018089.3 (MANE Select); coding-DNA position 1702, G replaced by T.
Protein change: p.Ala568Ser; replaces alanine 568 with serine.
Molecular consequence: missense variant.
Genome position (GRCh38, 1-based): chr2:219,235,484, G>T. VCF-style: chr2-219235484-G-T. GRCh37 (hg19) VCF-style: chr2-220100206-G-T.
Other names: c.1702G>T, p.Ala568Ser (NM_001042410.2); c.1072G>T, p.Ala358Ser (NM_001282792.2); short protein forms A358S, A568S.
Identifiers: ClinVar variation 2973485 (VCV002973485.3), dbSNP rs778212147, ClinGen allele CA2121141.